The following is an entry in ClinVar:

NM_000255.4(MMUT):c.398G>T (p.Gly133Val)

Gene: MMUT (methylmalonyl-CoA mutase; minus strand). Cytogenetic location: 6p12.3.
Variant type: single nucleotide variant.
Coding change: c.398G>T on transcript NM_000255.4 (MANE Select); coding-DNA position 398, G replaced by T.
Protein change: p.Gly133Val; replaces glycine 133 with valine.
Molecular consequence: missense variant.
Genome position (GRCh38, 1-based): chr6:49,458,046, C>A on the plus strand (G>T on the coding strand, the complement: MMUT is on the minus strand). VCF-style: chr6-49458046-C-A. GRCh37 (hg19) VCF-style: chr6-49425759-C-A.
Other names: short protein forms G133V.
Identifiers: ClinVar variation 2577250 (VCV002577250.1), dbSNP rs2127420078, ClinGen allele CA364404808.
Genomic context (GRCh38, chr6:49,458,046, plus strand): 5'-ACTCGAGGGTTGTCTGAATCATAGCCACGATGTGTCGCCAGATCAAAGGCAACTGATAAT[C>A]CCTGCTGACCAGCTAAATATATAAAGAAAAATAATGTAAGATTCAAGAGTCTGGAATCAA-3'
Protein context (NP_000246.2, residues 123-143): YKDNIKAGQQ[Gly133Val]LSVAFDLATH

ClinVar aggregate classification (germline): Uncertain significance (1 of 4 stars; one submission).

Submission:

Women's Health and Genetics/Laboratory Corporation of America, LabCorp
Classification: Uncertain significance. Last evaluated: 2023-07-21. Review status: criteria provided, single submitter. Criteria: LabCorp Variant Classification Summary - May 2015. Collection method: clinical testing. Allele origin: germline.
Comment: Variant summary: MUT c.398G>T (p.Gly133Val) results in a non-conservative amino acid change located in the Methylmalonyl-CoA mutase, alpha chain, catalytic domain (IPR006098) of the encoded protein sequence. Five of five in-silico tools predict a damaging effect of the variant on protein function. The variant was absent in 240020 control chromosomes (gnomAD). The available data on variant occurrences in the general population are insufficient to allow any conclusion about variant significance. c.398G>T has been reported in the literature in an individual affected with Methylmalonic Acidemia with a non-informative genotype (example: Kang_2019). A different variant ( c.397G>A (p.Gly133Arg) affecting the same residue is classified as pathogenic in ClinVar (CV ID 222911) with one submitter and is published as a homozygous occurrence in the literature (PubMed: 27167370), suggesting this residue may be important for the normal function of the protein. However, these reports do not provide unequivocal conclusions about association of the variant with Methylmalonic Acidemia. The following publication has been ascertained in the context of this evaluation (PMID: 31622506). No submitters have cited clinical-significance assessments for this variant to ClinVar after 2014. Based on the evidence outlined above, the variant was classified as uncertain significance.

Literature cited by the submitters: PubMed 31622506.